The following is an entry in ClinVar:

NM_001083962.2(TCF4):c.550-3C>G

Gene: TCF4 (transcription factor 4; minus strand). Cytogenetic location: 18q21.2.
Variant type: single nucleotide variant.
Coding change: c.550-3C>G on transcript NM_001083962.2 (MANE Select); 3 bases into the intron before coding-DNA position 550, C replaced by G.
Molecular consequence: intron variant. On other transcripts: missense variant (1).
Genome position (GRCh38, 1-based): chr18:55,279,659, G>C on the plus strand (C>G on the coding strand, the complement: TCF4 is on the minus strand). VCF-style: chr18-55279659-G-C. GRCh37 (hg19) VCF-style: chr18-52946890-G-C.
Other names: c.565C>G, p.Gln189Glu (NM_001243228.2); c.856-3C>G (NM_001243226.3); c.475-3C>G (NM_001369584.1, NM_001369576.1, NM_001369585.1 and 3 more transcripts); c.478-3C>G (NM_001369577.1, NM_001369582.1, NM_001243227.2 and 9 more transcripts); c.550-3C>G (NM_001369571.1, NM_001369567.1, NM_001369572.1 and 4 more transcripts); c.544-3C>G (NM_001243230.2); c.547-3C>G (NM_001369569.1, NM_001369573.1, NM_001369570.1); c.424-3C>G (NM_001243231.2, NM_001348211.2); and 4 more; short protein forms Q189E.
Identifiers: ClinVar variation 1344555 (VCV001344555.2), dbSNP rs2146266048, ClinGen allele CA402701943.

Submission:

Human Development and Health, University of Southampton
No classification provided (evidence only). Review status: no classification provided. Collection method: in vitro. Allele origin: not applicable. Functional consequence: sequence_variant_affecting_splicing.
ClinVar note: "not provided" was previously submitted as the classification for the variant. However, the classification appeared to be based only on an observation of functional data so it was converted to no classification on 2025-07-30.